The following is an entry in ClinVar:

ClinVar aggregate classification (germline): Uncertain significance. Review status: criteria provided, multiple submitters, no conflicts (2 of 4 stars). 5 submissions from 5 submitters: Uncertain significance (4). 1 of the submissions does not count toward it. Last evaluated 2025-10-06.

Conditions:
Inborn genetic diseases. Identifiers: MedGen C0950123, MeSH D030342.
Usher syndrome type 2A. Also called: USHER SYNDROME, TYPE IIA; RETINAL DISEASE IN USHER SYNDROME TYPE IIA, MODIFIER OF. Identifiers: Orphanet 231178, Orphanet 886, MedGen C1848634, MONDO:0010169, OMIM 276901.
USH2A-related disorder. Also called: USH2A-related condition; USH2A-related disorders. Identifiers: MedGen CN239332.

Allele frequency attached by ClinVar (database versions not stated): gnomAD exomes 0.00002 and 0.00008; ExAC 0.00003; TOPMed 0.00005; gnomAD 0.00001 and 0.00002.
gnomAD v4.1: 35 of 1,613,874 alleles (0.0022%); highest among the groups gnomAD compares: Admixed American, 0.042%; no homozygotes.

Submissions (5):

PreventionGenetics, part of Exact Sciences
Classification: Uncertain significance for USH2A-related condition. Last evaluated: 2025-10-06. Review status: criteria provided, single submitter. Criteria: ACMG Guidelines, 2015. Collection method: clinical testing. Allele origin: germline.
Comment: The USH2A c.7906A>G variant is predicted to result in the amino acid substitution p.Thr2636Ala. This variant has been reported in an individual with retinitis pigmentosa (de Asís Bartol-Puyal et al. 2025. PubMedID: 41011072); however, a second USH2A variant was not identified. This variant is reported in 0.051% of alleles in individuals of Latino descent in gnomAD v2. However, in gnomAD v4 (available only on GRCh38), this variant is reported in 0.042% of alleles in individuals of Latino descent, including zero homozygotes. At this time, the clinical significance of this variant is uncertain due to the absence of conclusive functional and genetic evidence.

Ambry Genetics
Classification: Uncertain significance for Inborn genetic diseases. Last evaluated: 2024-09-27. Review status: criteria provided, single submitter. Criteria: Ambry Variant Classification Scheme 2023. Collection method: clinical testing. Allele origin: germline.

Blueprint Genetics
Classification: Uncertain significance. Last evaluated: 2022-09-05. Review status: criteria provided, single submitter. Criteria: ACMG Guidelines, 2015. Collection method: clinical testing. Allele origin: germline.

Labcorp Genetics (formerly Invitae), Labcorp
Classification: Uncertain significance. Last evaluated: 2022-06-08. Review status: criteria provided, single submitter. Criteria: Invitae Variant Classification Sherloc (09022015). Collection method: clinical testing. Allele origin: germline.
Comment: This sequence change replaces threonine, which is neutral and polar, with alanine, which is neutral and non-polar, at codon 2636 of the USH2A protein (p.Thr2636Ala). This variant is present in population databases (rs752549947, gnomAD 0.04%). This variant has not been reported in the literature in individuals affected with USH2A-related conditions. ClinVar contains an entry for this variant (Variation ID: 1018664). Algorithms developed to predict the effect of missense changes on protein structure and function (SIFT, PolyPhen-2, Align-GVGD) all suggest that this variant is likely to be disruptive. In summary, the available evidence is currently insufficient to determine the role of this variant in disease. Therefore, it has been classified as a Variant of Uncertain Significance.

Natera, Inc.
Classification: Uncertain significance for Usher syndrome type 2A. Last evaluated: 2020-01-19. Review status: no assertion criteria provided. Collection method: clinical testing. Allele origin: germline. Not counted in ClinVar's aggregate classification.

NM_206933.4(USH2A):c.7906A>G (p.Thr2636Ala)

Gene: USH2A (usherin; minus strand). Cytogenetic location: 1q41.
Variant type: single nucleotide variant.
Coding change: c.7906A>G on transcript NM_206933.4 (MANE Select); coding-DNA position 7906, A replaced by G.
Protein change: p.Thr2636Ala; replaces threonine 2636 with alanine.
Molecular consequence: missense variant.
Genome position (GRCh38, 1-based): chr1:215,888,743, T>C on the plus strand (A>G on the coding strand, the complement: USH2A is on the minus strand). VCF-style: chr1-215888743-T-C. GRCh37 (hg19) VCF-style: chr1-216062085-T-C.
Other names: c.7906A>G (NM_206933.2); short protein forms T2636A.
Identifiers: ClinVar variation 1018664 (VCV001018664.6), dbSNP rs752549947, ClinGen allele CA1394718.